The following is an entry in ClinVar:

NM_004656.4(BAP1):c.1751C>A (p.Pro584His)

Gene: BAP1 (BRCA1 associated deubiquitinase 1; minus strand). Cytogenetic location: 3p21.1.
Variant type: single nucleotide variant.
Coding change: c.1751C>A on transcript NM_004656.4 (MANE Select); coding-DNA position 1751, C replaced by A.
Protein change: p.Pro584His; replaces proline 584 with histidine.
Molecular consequence: missense variant.
Genome position (GRCh38, 1-based): chr3:52,403,277, G>T on the plus strand (C>A on the coding strand, the complement: BAP1 is on the minus strand). VCF-style: chr3-52403277-G-T. GRCh37 (hg19) VCF-style: chr3-52437293-G-T.
Other names: short protein forms P584H.
Identifiers: ClinVar variation 412408 (VCV000412408.23), dbSNP rs374877744, ClinGen allele CA2436721.

ClinVar aggregate classification (germline): Conflicting classifications of pathogenicity. Review status: criteria provided, conflicting classifications (1 of 4 stars). 6 submissions from 6 submitters: Uncertain significance (4); Benign (1); Likely benign (1). Last evaluated 2025-12-13.

Conditions:
Hereditary cancer-predisposing syndrome. Also called: Hereditary neoplastic syndrome; Tumor predisposition; Hereditary Cancer Syndrome; Neoplastic Syndromes, Hereditary. Identifiers: Orphanet 140162, MedGen C0027672, MeSH D009386, MONDO:0015356.
BAP1-related tumor predisposition syndrome (TPDS1). Also called: BAP1 tumor predisposition syndrome; Tumor susceptibility linked to germline BAP1 mutations; COMMON Syndrome; TUMOR PREDISPOSITION SYNDROME 1. Identifiers: Orphanet 289539, MedGen C3280492, MONDO:0013692, OMIM 614327.

Allele frequency attached by ClinVar (database versions not stated): ExAC 0.00001; TOPMed 0.00002; ESP Exome Variant Server 0.00008; gnomAD 0.00001; gnomAD exomes 0.00004 and 0.00001.
gnomAD v4.1: 54 of 1,613,848 alleles (0.0033%); highest among the groups gnomAD compares: Non-Finnish European, 0.0044%; no homozygotes.

Submissions (6):

Labcorp Genetics (formerly Invitae), Labcorp
Classification: Uncertain significance for BAP1-related tumor predisposition syndrome. Last evaluated: 2025-12-13. Review status: criteria provided, single submitter. Criteria: Invitae Variant Classification Sherloc (09022015). Collection method: clinical testing. Allele origin: germline.
Comment: This sequence change replaces proline, which is neutral and non-polar, with histidine, which is basic and polar, at codon 584 of the BAP1 protein (p.Pro584His). This variant is present in population databases (rs374877744, gnomAD 0.003%). This missense change has been observed in individual(s) with several cutaneous melanomas and basal cell carcinoma (PMID: 30517737). ClinVar contains an entry for this variant (Variation ID: 412408). Invitae Evidence Modeling of protein sequence and biophysical properties (such as structural, functional, and spatial information, amino acid conservation, physicochemical variation, residue mobility, and thermodynamic stability) indicates that this missense variant is not expected to disrupt BAP1 protein function with a negative predictive value of 80%. In summary, the available evidence is currently insufficient to determine the role of this variant in disease. Therefore, it has been classified as a Variant of Uncertain Significance.

Ambry Genetics
Classification: Benign for Hereditary cancer-predisposing syndrome. Last evaluated: 2024-12-17. Review status: criteria provided, single submitter. Criteria: Ambry Variant Classification Scheme 2023. Collection method: clinical testing. Allele origin: germline.

Myriad Genetics, Inc.
Classification: Likely benign for BAP1-related tumor predisposition syndrome. Last evaluated: 2024-07-17. Review status: criteria provided, single submitter. Criteria: Myriad Autosomal Dominant, Autosomal Recessive and X-Linked Classification Criteria (2023). Collection method: clinical testing. Allele origin: unknown.
Comment: This variant is considered likely benign. This variant has been observed at a population frequency that is significantly greater than expected given the associated disease prevalence and penetrance.

Color Diagnostics, LLC DBA Color Health
Classification: Uncertain significance for Hereditary cancer-predisposing syndrome. Last evaluated: 2024-07-15. Review status: criteria provided, single submitter. Criteria: ACMG Guidelines, 2015. Collection method: clinical testing. Allele origin: germline.
Comment: This missense variant replaces proline with histidine at codon 584 of the BAP1 protein. Computational prediction suggests that this variant may not impact protein structure and function. To our knowledge, functional studies have not been reported for this variant. This variant has been reported in an individual affected with melanoma and basal cell carcinoma (PMID: 30517737). This variant has been identified in 3/251246 chromosomes in the general population by the Genome Aggregation Database (gnomAD). The available evidence is insufficient to determine the role of this variant in disease conclusively. Therefore, this variant is classified as a Variant of Uncertain Significance.

GeneDx
Classification: Uncertain significance. Last evaluated: 2023-12-28. Review status: criteria provided, single submitter. Criteria: GeneDx Variant Classification Process June 2021. Collection method: clinical testing. Allele origin: germline.
Comment: Not observed at significant frequency in large population cohorts (gnomAD); In silico analysis supports that this missense variant does not alter protein structure/function; This variant is associated with the following publications: (PMID: 29684080, 30517737)

Baylor Genetics
Classification: Uncertain significance for BAP1-related tumor predisposition syndrome. Last evaluated: 2023-10-30. Review status: criteria provided, single submitter. Criteria: ACMG Guidelines, 2015. Collection method: clinical testing. Allele origin: unknown.

Literature cited by the submitters: PubMed 30517737 (cited by 3 submitters); PubMed 29684080 (cited by Ambry Genetics); PubMed 38969833 (cited by Ambry Genetics).